The following is an entry in ClinVar:

ClinVar aggregate classification (germline): Benign/Likely benign. Review status: criteria provided, multiple submitters, no conflicts (2 of 4 stars). 5 submissions from 5 submitters: Benign (3); Likely benign (2). Last evaluated 2026-07-01.

Conditions:
Inborn genetic diseases. Identifiers: MedGen C0950123, MeSH D030342.
Developmental and epileptic encephalopathy 94 (DEE94). Also called: Epileptic encephalopathy, childhood-onset; CHD2-Related Neurodevelopmental Disorders. Identifiers: Orphanet 1942, Orphanet 2382, MedGen C3809278, MONDO:0014150, OMIM 615369.

Allele frequency attached by ClinVar (database versions not stated): gnomAD 0.00006; ESP Exome Variant Server 0.00008; 1000 Genomes Project 30x 0.00016; 1000 Genomes Project 0.00020; TOPMed 0.00022; ExAC 0.00044; gnomAD exomes 0.00047.
gnomAD v4.1: 161 of 1,613,994 alleles (0.01%); highest among the groups gnomAD compares: Admixed American, 0.22%; 2 homozygotes.

Submissions (5):

CeGaT Center for Human Genetics Tuebingen
Classification: Likely benign. Last evaluated: 2026-07-01. Review status: criteria provided, single submitter. Criteria: CeGaT Center For Human Genetics Tuebingen Variant Classification Criteria Version 2. Collection method: clinical testing. Allele origin: germline. Affected: yes. Observed: 4 variant alleles.
Comment: CHD2: BS1

Labcorp Genetics (formerly Invitae), Labcorp
Classification: Benign for Developmental and epileptic encephalopathy 94. Last evaluated: 2026-01-28. Review status: criteria provided, single submitter. Criteria: Invitae Variant Classification Sherloc (09022015). Collection method: clinical testing. Allele origin: germline.

Athena Diagnostics
Classification: Benign. Last evaluated: 2024-11-05. Review status: criteria provided, single submitter. Criteria: Athena Diagnostics Criteria. Collection method: clinical testing. Allele origin: unknown.

GeneDx
Classification: Benign. Last evaluated: 2020-05-14. Review status: criteria provided, single submitter. Criteria: GeneDx Variant Classification Process June 2021. Collection method: clinical testing. Allele origin: germline. Affected: yes.

Ambry Genetics
Classification: Likely benign for Inborn genetic diseases. Last evaluated: 2017-01-26. Review status: criteria provided, single submitter. Criteria: Ambry Variant Classification Scheme 2023. Collection method: clinical testing. Allele origin: germline.

NM_001271.4(CHD2):c.153C>T (p.Ser51=)

Gene: CHD2 (chromodomain helicase DNA binding protein 2; plus strand). Cytogenetic location: 15q26.1.
Variant type: single nucleotide variant.
Coding change: c.153C>T on transcript NM_001271.4 (MANE Select); coding-DNA position 153, C replaced by T.
Protein change: p.Ser51=; no amino-acid change (serine 51 retained).
Molecular consequence: synonymous variant.
Genome position (GRCh38, 1-based): chr15:92,924,411, C>T. VCF-style: chr15-92924411-C-T. GRCh37 (hg19) VCF-style: chr15-93467641-C-T.
Other names: c.153C>T, p.Ser51= (NM_001042572.3).
Identifiers: ClinVar variation 386446 (VCV000386446.26), dbSNP rs201752698, ClinGen allele CA7747447.